The following is an entry in ClinVar:

ClinVar aggregate classification (germline): Conflicting classifications of pathogenicity. Review status: criteria provided, conflicting classifications (1 of 4 stars). 4 submissions from 4 submitters: Uncertain significance (1); Likely benign (2). 1 of the submissions does not count toward it. Last evaluated 2026-01-05.

Conditions:
SETBP1-related disorder. Also called: SETBP1-related condition; SETBP1-related disorders.
Inborn genetic diseases. Identifiers: MedGen C0950123, MeSH D030342.

Allele frequency attached by ClinVar (database versions not stated): gnomAD exomes 0.00004; ExAC 0.00005; ESP Exome Variant Server 0.00008; gnomAD 0.00017 and 0.00019; TOPMed 0.00023.
gnomAD v4.1: 49 of 1,613,888 alleles (0.003%); highest among the groups gnomAD compares: African/African-American, 0.059%; no homozygotes.

Submissions (4):

Labcorp Genetics (formerly Invitae), Labcorp
Classification: Likely benign. Last evaluated: 2026-01-05. Review status: criteria provided, single submitter. Criteria: Invitae Variant Classification Sherloc (09022015). Collection method: clinical testing. Allele origin: germline.

Ambry Genetics
Classification: Likely benign for Inborn genetic diseases. Last evaluated: 2024-01-08. Review status: criteria provided, single submitter. Criteria: Ambry Variant Classification Scheme 2023. Collection method: clinical testing. Allele origin: germline.

Revvity Omics, Revvity
Classification: Uncertain significance. Last evaluated: 2019-08-21. Review status: criteria provided, single submitter. Criteria: ACMG Guidelines, 2015. Collection method: clinical testing. Allele origin: germline.

PreventionGenetics, part of Exact Sciences
Classification: Likely benign for SETBP1-related condition. Last evaluated: 2023-05-06. Review status: no assertion criteria provided. Collection method: clinical testing. Allele origin: germline. Not counted in ClinVar's aggregate classification.
Comment: This variant is classified as likely benign based on ACMG/AMP sequence variant interpretation guidelines (Richards et al. 2015 PMID: 25741868, with internal and published modifications).

NM_015559.3(SETBP1):c.4307C>T (p.Ala1436Val)

Gene: SETBP1 (SET binding protein 1; plus strand). Cytogenetic location: 18q12.3.
Variant type: single nucleotide variant.
Coding change: c.4307C>T on transcript NM_015559.3 (MANE Select); coding-DNA position 4307, C replaced by T.
Protein change: p.Ala1436Val; replaces alanine 1436 with valine.
Molecular consequence: missense variant.
Genome position (GRCh38, 1-based): chr18:45,063,214, C>T. VCF-style: chr18-45063214-C-T. GRCh37 (hg19) VCF-style: chr18-42643179-C-T.
Other names: c.4307C>T, p.Ala1436Val (NM_001379141.1, NM_001379142.1); c.4307C>T (NM_015559.2); short protein forms A1436V.
Identifiers: ClinVar variation 1370931 (VCV001370931.11), dbSNP rs373986368, ClinGen allele CA8946136.